The following is an entry in ClinVar:

NM_006904.7(PRKDC):c.2809A>T (p.Met937Leu)

Gene: PRKDC (protein kinase, DNA-activated, catalytic subunit; minus strand). Cytogenetic location: 8q11.21.
Variant type: single nucleotide variant.
Coding change: c.2809A>T on transcript NM_006904.7 (MANE Select); coding-DNA position 2809, A replaced by T.
Protein change: p.Met937Leu; replaces methionine 937 with leucine.
Molecular consequence: missense variant.
Genome position (GRCh38, 1-based): chr8:47,912,535, T>A on the plus strand (A>T on the coding strand, the complement: PRKDC is on the minus strand). VCF-style: chr8-47912535-T-A. GRCh37 (hg19) VCF-style: chr8-48825095-T-A.
Other names: c.2809A>T, p.Met937Leu (NM_001081640.2); short protein forms M937L.
Identifiers: ClinVar variation 3225812 (VCV003225812.1), dbSNP rs2551876673, ClinGen allele CA371158917.

ClinVar aggregate classification (germline): Uncertain significance (1 of 4 stars; one submission).

Submission:

Ambry Genetics
Classification: Uncertain significance. Last evaluated: 2023-11-22. Review status: criteria provided, single submitter. Criteria: Ambry Variant Classification Scheme 2023. Collection method: clinical testing. Allele origin: germline.
Comment: The p.M937L variant (also known as c.2809A>T), located in coding exon 25 of the PRKDC gene, results from an A to T substitution at nucleotide position 2809. The methionine at codon 937 is replaced by leucine, an amino acid with highly similar properties. This amino acid position is conserved. In addition, this alteration is predicted to be tolerated by in silico analysis. Since supporting evidence is limited at this time, the clinical significance of this alteration remains unclear.